The following is an entry in ClinVar:

ClinVar aggregate classification (germline): Uncertain significance (1 of 4 stars; one submission).

Allele frequency attached by ClinVar (database versions not stated): TOPMed 0.00001.
gnomAD v4.1: 3 of 1,614,092 alleles (0.00019%); highest among the groups gnomAD compares: Non-Finnish European, 0.00025%; no homozygotes.

Submission:

Labcorp Genetics (formerly Invitae), Labcorp
Classification: Uncertain significance. Last evaluated: 2024-05-29. Review status: criteria provided, single submitter. Criteria: Invitae Variant Classification Sherloc (09022015). Collection method: clinical testing. Allele origin: germline.
Comment: This sequence change replaces tyrosine, which is neutral and polar, with phenylalanine, which is neutral and non-polar, at codon 20 of the ARSG protein (p.Tyr20Phe). The frequency data for this variant in the population databases is considered unreliable, as metrics indicate poor data quality at this position in the gnomAD database. This variant has not been reported in the literature in individuals affected with ARSG-related conditions. ClinVar contains an entry for this variant (Variation ID: 2029228). An algorithm developed to predict the effect of missense changes on protein structure and function (PolyPhen-2) suggests that this variant is likely to be tolerated. In summary, the available evidence is currently insufficient to determine the role of this variant in disease. Therefore, it has been classified as a Variant of Uncertain Significance.

NM_001267727.2(ARSG):c.59A>T (p.Tyr20Phe)

Gene: ARSG (arylsulfatase G; plus strand). Cytogenetic location: 17q24.2.
Variant type: single nucleotide variant.
Coding change: c.59A>T on transcript NM_001267727.2 (MANE Select); coding-DNA position 59, A replaced by T.
Protein change: p.Tyr20Phe; replaces tyrosine 20 with phenylalanine.
Molecular consequence: missense variant.
Genome position (GRCh38, 1-based): chr17:68,307,552, A>T. VCF-style: chr17-68307552-A-T. GRCh37 (hg19) VCF-style: chr17-66303693-A-T.
Other names: c.59A>T, p.Tyr20Phe (NM_001352899.2, NM_001352900.2, NM_001352901.2 and 9 more transcripts); short protein forms Y20F.
Identifiers: ClinVar variation 2029228 (VCV002029228.4), dbSNP rs1304128903, ClinGen allele CA400745912.